The following is an entry in ClinVar:

NM_015102.5(NPHP4):c.3416C>T (p.Pro1139Leu)

Gene: NPHP4 (nephrocystin 4; minus strand). Cytogenetic location: 1p36.31.
Variant type: single nucleotide variant.
Coding change: c.3416C>T on transcript NM_015102.5 (MANE Select); coding-DNA position 3416, C replaced by T.
Protein change: p.Pro1139Leu; replaces proline 1139 with leucine.
Molecular consequence: missense variant. On other transcripts: non-coding transcript variant (1).
Genome position (GRCh38, 1-based): chr1:5,867,796, G>A on the plus strand (C>T on the coding strand, the complement: NPHP4 is on the minus strand). VCF-style: chr1-5867796-G-A. GRCh37 (hg19) VCF-style: chr1-5927856-G-A.
Other names: c.1877C>T, p.Pro626Leu (NM_001291593.2); c.1880C>T, p.Pro627Leu (NM_001291594.2); short protein forms P1139L, P626L, P627L.
Identifiers: ClinVar variation 859793 (VCV000859793.6), dbSNP rs759737019, ClinGen allele CA553623.
Genomic context (GRCh38, chr1:5,867,796, plus strand): 5'-CTGCCTGGAAATGTGTGCCAGGGCGGCAGGCGGATGGCCTTCTTCAGGAAGGAGAGCTCC[G>A]GGTGATAGAAGCGGAAGACCTGGTCCACCACGTGGGGCTGCAGCTCCACAGTCAGGCAGA-3'
Protein context (NP_055917.1, residues 1129-1149): VVDQVFRFYH[Pro1139Leu]ELSFLKKAIR

ClinVar aggregate classification (germline): Uncertain significance. Review status: criteria provided, multiple submitters, no conflicts (2 of 4 stars). 2 submissions from 2 submitters: Uncertain significance (2). Last evaluated 2022-09-08.

Conditions:
Nephronophthisis. Also called: Juvenile Nephronophthisis. Identifiers: Orphanet 655, MedGen C0687120, MONDO:0019005, HP:0000090.

Allele frequency attached by ClinVar (database versions not stated): ExAC 0.00001; gnomAD 0.00001; gnomAD exomes 0.00001 and 0.00003; TOPMed 0.00002.
gnomAD v4.1: 41 of 1,612,716 alleles (0.0025%); highest among the groups gnomAD compares: African/African-American, 0.0053%; no homozygotes.

Submissions (2):

Blueprint Genetics
Classification: Uncertain significance. Last evaluated: 2022-09-08. Review status: criteria provided, single submitter. Criteria: ACMG Guidelines, 2015. Collection method: clinical testing. Allele origin: germline.

Labcorp Genetics (formerly Invitae), Labcorp
Classification: Uncertain significance for Nephronophthisis. Last evaluated: 2022-03-18. Review status: criteria provided, single submitter. Criteria: Invitae Variant Classification Sherloc (09022015). Collection method: clinical testing. Allele origin: germline.
Comment: In summary, the available evidence is currently insufficient to determine the role of this variant in disease. Therefore, it has been classified as a Variant of Uncertain Significance. Algorithms developed to predict the effect of missense changes on protein structure and function are either unavailable or do not agree on the potential impact of this missense change (SIFT: "Deleterious"; PolyPhen-2: "Probably Damaging"; Align-GVGD: "Class C0"). ClinVar contains an entry for this variant (Variation ID: 859793). This variant has not been reported in the literature in individuals affected with NPHP4-related conditions. This variant is present in population databases (rs759737019, gnomAD 0.007%). This sequence change replaces proline, which is neutral and non-polar, with leucine, which is neutral and non-polar, at codon 1139 of the NPHP4 protein (p.Pro1139Leu).